The following is an entry in ClinVar:

ClinVar aggregate classification (germline): Uncertain significance (1 of 4 stars; one submission).

gnomAD v4.1: 1 of 1,613,284 alleles (0.000062%); highest among the groups gnomAD compares: Non-Finnish European, 0.000085%; no homozygotes.

Submission:

Labcorp Genetics (formerly Invitae), Labcorp
Classification: Uncertain significance. Last evaluated: 2025-06-12. Review status: criteria provided, single submitter. Criteria: Invitae Variant Classification Sherloc (09022015). Collection method: clinical testing. Allele origin: germline.
Comment: This sequence change replaces proline, which is neutral and non-polar, with arginine, which is basic and polar, at codon 440 of the CFH protein (p.Pro440Arg). This variant is not present in population databases (gnomAD no frequency). This variant has not been reported in the literature in individuals affected with CFH-related conditions. An algorithm developed to predict the effect of missense changes on protein structure and function (PolyPhen-2) suggests that this variant is likely to be disruptive. In summary, the available evidence is currently insufficient to determine the role of this variant in disease. Therefore, it has been classified as a Variant of Uncertain Significance.

NM_000186.4(CFH):c.1319C>G (p.Pro440Arg)

Gene: CFH (complement factor H; plus strand). Cytogenetic location: 1q31.3.
Variant type: single nucleotide variant.
Coding change: c.1319C>G on transcript NM_000186.4 (MANE Select); coding-DNA position 1319, C replaced by G.
Protein change: p.Pro440Arg; replaces proline 440 with arginine.
Molecular consequence: missense variant.
Genome position (GRCh38, 1-based): chr1:196,690,222, C>G. VCF-style: chr1-196690222-C-G. GRCh37 (hg19) VCF-style: chr1-196659352-C-G.
Other names: c.1319C>G, p.Pro440Arg (NM_001014975.3); short protein forms P440R.
Identifiers: ClinVar variation 4775576 (VCV004775576.1).